The following is an entry in ClinVar:

ClinVar aggregate classification (germline): Benign (1 of 4 stars; one submission).

Submission:

CeGaT Center for Human Genetics Tuebingen
Classification: Benign. Last evaluated: 2026-07-01. Review status: criteria provided, single submitter. Criteria: CeGaT Center For Human Genetics Tuebingen Variant Classification Criteria Version 2. Collection method: clinical testing. Allele origin: germline. Affected: yes. Observed: 18 variant alleles.
Comment: GRM7: BS1, BS2

NM_000844.4(GRM7):c.1175-48TG[16]

Gene: GRM7 (glutamate metabotropic receptor 7; plus strand). Cytogenetic location: 3p26.1.
Variant type: Microsatellite.
Coding change: c.1175-48TG[16] on transcript NM_000844.4 (MANE Select); 16 copies in a row of the 2-base unit TG starting at c.1175-48.
Molecular consequence: intron variant.
Genome position: GRCh38 VCF-style: chr3-7452558-T-TTGTG. GRCh37 (hg19) VCF-style: chr3-7494245-T-TTGTG.
Other names: c.1175-48TG[16] (NM_181874.3).
Identifiers: ClinVar variation 1711561 (VCV001711561.30), dbSNP rs111752136, ClinGen allele CA2234821.